The following is an entry in ClinVar:

NM_001366385.1(CARD14):c.2209A>C (p.Asn737His)

Genes: CARD14 (caspase recruitment domain family member 14; plus strand), SGSH (N-sulfoglucosamine sulfohydrolase; minus strand). Cytogenetic location: 17q25.3.
Variant type: single nucleotide variant.
Coding change: c.2209A>C on transcript NM_001366385.1 (MANE Select); coding-DNA position 2209, A replaced by C.
Protein change: p.Asn737His; replaces asparagine 737 with histidine.
Molecular consequence: missense variant. On other transcripts: non-coding transcript variant (1).
Genome position (GRCh38, 1-based): chr17:80,202,410, A>C. VCF-style: chr17-80202410-A-C. GRCh37 (hg19) VCF-style: chr17-78176209-A-C.
Other names: c.2209A>C, p.Asn737His (NM_001257970.1, NM_024110.4); short protein forms N737H.
Identifiers: ClinVar variation 1006064 (VCV001006064.11), dbSNP rs535171797, ClinGen allele CA8817213.

ClinVar aggregate classification (germline): Uncertain significance. Review status: criteria provided, multiple submitters, no conflicts (2 of 4 stars). 3 submissions from 3 submitters: Uncertain significance (3). Last evaluated 2026-04-15.

Conditions:
CARD14-related disorder. Also called: CARD14-related condition.
Pityriasis rubra pilaris (PRP). Also called: Pityriasis rubra pilaris--familial type. Identifiers: Orphanet 2897, MedGen C0032027, MONDO:0100017, OMIM 173200, MONDO:0008251.
Psoriasis 2. Identifiers: MedGen C1864497, MONDO:0011269, OMIM 602723.

Allele frequency attached by ClinVar (database versions not stated): gnomAD exomes 0.00002 and 0.00008; ExAC 0.00008; gnomAD 0.00028 and 0.00030; TOPMed 0.00029; 1000 Genomes Project 30x 0.00031; 1000 Genomes Project 0.00040.
gnomAD v4.1: 78 of 1,611,538 alleles (0.0048%); highest among the groups gnomAD compares: African/African-American, 0.091%; no homozygotes.

Submissions (3):

PreventionGenetics, part of Exact Sciences
Classification: Uncertain significance for CARD14-related condition. Last evaluated: 2026-04-15. Review status: criteria provided, single submitter. Criteria: ACMG Guidelines, 2015. Collection method: clinical testing. Allele origin: germline.
Comment: The CARD14 c.2209A>C variant is predicted to result in the amino acid substitution p.Asn737His. This variant has been reported to segregate with disease in a father and daughter both with atopic dermatitis (Family 3, Peled et al. 2019. PubMed ID: 30248356). This variant is reported in 0.081% of alleles in individuals of African descent in gnomAD. At this time, the clinical significance of this variant is uncertain due to the absence of conclusive functional and genetic evidence.

Labcorp Genetics (formerly Invitae), Labcorp
Classification: Uncertain significance for Pityriasis rubra pilaris; Psoriasis 2. Last evaluated: 2026-01-24. Review status: criteria provided, single submitter. Criteria: Invitae Variant Classification Sherloc (09022015). Collection method: clinical testing. Allele origin: germline.
Comment: This sequence change replaces asparagine, which is neutral and polar, with histidine, which is basic and polar, at codon 737 of the CARD14 protein (p.Asn737His). This variant is present in population databases (rs535171797, gnomAD 0.08%), and has an allele count higher than expected for a pathogenic variant. This missense change has been observed in individual(s) with atopic dermatitis (PMID: 30248356). ClinVar contains an entry for this variant (Variation ID: 1006064). Invitae Evidence Modeling of protein sequence and biophysical properties (such as structural, functional, and spatial information, amino acid conservation, physicochemical variation, residue mobility, and thermodynamic stability) has been performed for this missense variant. However, the output from this modeling did not meet the statistical confidence thresholds required to predict the impact of this variant on CARD14 protein function. Experimental studies have shown that this missense change affects CARD14 function (PMID: 30248356). In summary, the available evidence is currently insufficient to determine the role of this variant in disease. Therefore, it has been classified as a Variant of Uncertain Significance.

Fulgent Genetics
Classification: Uncertain significance for Pityriasis rubra pilaris; Psoriasis 2. Last evaluated: 2022-04-13. Review status: criteria provided, single submitter. Criteria: ACMG Guidelines, 2015. Collection method: clinical testing. Allele origin: unknown.

Literature cited by the submitters: PubMed 30248356 (cited by Labcorp Genetics (formerly Invitae), Labcorp).